The following is an entry in ClinVar:

ClinVar aggregate classification (germline): Uncertain significance (1 of 4 stars; one submission).

Submission:

Labcorp Genetics (formerly Invitae), Labcorp
Classification: Uncertain significance. Last evaluated: 2021-06-14. Review status: criteria provided, single submitter. Criteria: Invitae Variant Classification Sherloc (09022015). Collection method: clinical testing. Allele origin: germline.
Comment: This sequence change falls in intron 6 of the CDH2 gene. It does not directly change the encoded amino acid sequence of the CDH2 protein. This variant is not present in population databases (ExAC no frequency). This variant has not been reported in the literature in individuals with CDH2-related conditions. Algorithms developed to predict the effect of sequence changes on RNA splicing suggest that this variant may create or strengthen a splice site, but this prediction has not been confirmed by published transcriptional studies. In summary, the available evidence is currently insufficient to determine the role of this variant in disease. Therefore, it has been classified as a Variant of Uncertain Significance.

NM_001792.5(CDH2):c.847+13A>G

Gene: CDH2 (cadherin 2; minus strand). Cytogenetic location: 18q12.1.
Variant type: single nucleotide variant.
Coding change: c.847+13A>G on transcript NM_001792.5 (MANE Select); 13 bases into the intron after coding-DNA position 847, A replaced by G.
Molecular consequence: intron variant.
Genome position (GRCh38, 1-based): chr18:28,005,836, T>C on the plus strand (A>G on the coding strand, the complement: CDH2 is on the minus strand). VCF-style: chr18-28005836-T-C. GRCh37 (hg19) VCF-style: chr18-25585800-T-C.
Other names: c.754+13A>G (NM_001308176.2).
Identifiers: ClinVar variation 1359866 (VCV001359866.8), dbSNP rs2144017615, ClinGen allele CA2573155163.
Genomic context (GRCh38, chr18:28,005,836, plus strand): 5'-CTTGCTCATATAACAGGGCTGGTTACACCATACTTTCCTCAAGTCATCTTCAAATTATTA[T>C]CTTTAAACTTACCAGGCTTTGATCCCTCAGGAACTGTCCCATTCCAAACCTGGTGTAAGA-3'